The following is an entry in ClinVar:

NM_006859.4(LIAS):c.170G>C (p.Ser57Thr)

Gene: LIAS (lipoic acid synthetase; plus strand). Cytogenetic location: 4p14.
Variant type: single nucleotide variant.
Coding change: c.170G>C on transcript NM_006859.4 (MANE Select); coding-DNA position 170, G replaced by C.
Protein change: p.Ser57Thr; replaces serine 57 with threonine.
Molecular consequence: missense variant.
Genome position (GRCh38, 1-based): chr4:39,460,914, G>C. VCF-style: chr4-39460914-G-C. GRCh37 (hg19) VCF-style: chr4-39462534-G-C.
Other names: c.170G>C, p.Ser57Thr (NM_001278590.2, NM_001278591.2, NM_001278592.2 and 2 more transcripts); short protein forms S57T.
Identifiers: ClinVar variation 2142276 (VCV002142276.4), dbSNP rs774043170, ClinGen allele CA2894600.

ClinVar aggregate classification (germline): Uncertain significance (1 of 4 stars; one submission).

Conditions:
Lipoic acid synthetase deficiency. Also called: HYPERGLYCINEMIA, LACTIC ACIDOSIS, AND SEIZURES. Identifiers: Orphanet 401859, MedGen C3280887, MONDO:0013762, OMIM 614462.

Allele frequency attached by ClinVar (database versions not stated): ExAC 0.00001; gnomAD 0.00002; TOPMed 0.00003.

Submission:

Labcorp Genetics (formerly Invitae), Labcorp
Classification: Uncertain significance for Lipoic acid synthetase deficiency. Last evaluated: 2022-08-13. Review status: criteria provided, single submitter. Criteria: Invitae Variant Classification Sherloc (09022015). Collection method: clinical testing. Allele origin: germline.
Comment: This sequence change replaces serine, which is neutral and polar, with threonine, which is neutral and polar, at codon 57 of the LIAS protein (p.Ser57Thr). This variant is present in population databases (rs774043170, gnomAD 0.007%). This variant has not been reported in the literature in individuals affected with LIAS-related conditions. Algorithms developed to predict the effect of missense changes on protein structure and function (SIFT, PolyPhen-2, Align-GVGD) all suggest that this variant is likely to be tolerated. In summary, the available evidence is currently insufficient to determine the role of this variant in disease. Therefore, it has been classified as a Variant of Uncertain Significance.